The following is an entry in ClinVar:

ClinVar aggregate classification (germline): Likely benign (1 of 4 stars; one submission).

Allele frequency attached by ClinVar (database versions not stated): gnomAD exomes 0.00001.

Submission:

GeneDx
Classification: Likely benign. Last evaluated: 2016-02-24. Review status: criteria provided, single submitter. Criteria: GeneDx Variant Classification (06012015). Collection method: clinical testing. Allele origin: germline. Affected: yes.
Comment: This variant is considered likely benign or benign based on one or more of the following criteria: it is a conservative change, it occurs at a poorly conserved position in the protein, it is predicted to be benign by multiple in silico algorithms, and/or has population frequency not consistent with disease.

NM_032119.4(ADGRV1):c.11941-4A>G

Gene: ADGRV1 (adhesion G protein-coupled receptor V1; plus strand). Cytogenetic location: 5q14.3.
Variant type: single nucleotide variant.
Coding change: c.11941-4A>G on transcript NM_032119.4 (MANE Select); 4 bases into the intron before coding-DNA position 11941, A replaced by G.
Molecular consequence: intron variant.
Genome position (GRCh38, 1-based): chr5:90,759,405, A>G. VCF-style: chr5-90759405-A-G. GRCh37 (hg19) VCF-style: chr5-90055222-A-G.
Identifiers: ClinVar variation 383340 (VCV000383340.1), dbSNP rs1057521591, ClinGen allele CA16604945.